The following is an entry in ClinVar:

ClinVar aggregate classification (germline): Likely pathogenic. Review status: criteria provided, multiple submitters, no conflicts (2 of 4 stars). 2 submissions from 2 submitters: Likely pathogenic (2). Last evaluated 2025-06-02.

Conditions:
Neurodevelopmental disorder with microcephaly, seizures, and cortical atrophy. Identifiers: MedGen C4540493, MONDO:0060621, OMIM 617802.

Allele frequency attached by ClinVar (database versions not stated): gnomAD exomes below 0.00001.
gnomAD v4.1: 1 of 1,613,032 alleles (0.000062%); highest among the groups gnomAD compares: Non-Finnish European, 0.000085%; no homozygotes.

Submissions (2):

First Genomix Gene Laboratory, Genetic Diagnostics Department
Classification: Likely pathogenic for Neurodevelopmental disorder with microcephaly, seizures, and cortical atrophy. Last evaluated: 2025-06-02. Review status: criteria provided, single submitter. Criteria: ACMG Guidelines, 2015. Collection method: clinical testing. Allele origin: germline. Inheritance: Autosomal recessive inheritance. Affected: no. Observed: 1 variant allele.

Hadassah Hebrew University Medical Center
Classification: Likely pathogenic for Neurodevelopmental disorder with microcephaly, seizures, and cortical atrophy. Review status: criteria provided, single submitter. Criteria: ACMG Guidelines, 2015. Collection method: clinical testing. Allele origin: germline. Inheritance: Autosomal recessive inheritance. Affected: yes.

NM_006295.3(VARS1):c.3182C>T (p.Ser1061Leu)

Gene: VARS1 (valyl-tRNA synthetase 1; minus strand). Cytogenetic location: 6p21.33.
Variant type: single nucleotide variant.
Coding change: c.3182C>T on transcript NM_006295.3 (MANE Select); coding-DNA position 3182, C replaced by T.
Protein change: p.Ser1061Leu; replaces serine 1061 with leucine.
Molecular consequence: missense variant.
Genome position (GRCh38, 1-based): chr6:31,779,714, G>A on the plus strand (C>T on the coding strand, the complement: VARS1 is on the minus strand). VCF-style: chr6-31779714-G-A. GRCh37 (hg19) VCF-style: chr6-31747491-G-A.
Other names: short protein forms S1061L.
Identifiers: ClinVar variation 2627112 (VCV002627112.2), dbSNP rs2537589468, ClinGen allele CA363435442.